The following is an entry in ClinVar:

ClinVar aggregate classification (germline): Uncertain significance. Review status: criteria provided, multiple submitters, no conflicts (2 of 4 stars). 2 submissions from 2 submitters: Uncertain significance (2). Last evaluated 2022-03-18.

Conditions:
Cardiovascular phenotype. Identifiers: MedGen CN230736.

Allele frequency attached by ClinVar (database versions not stated): gnomAD exomes below 0.00001.
gnomAD v4.1: 2 of 1,613,926 alleles (0.00012%); highest among the groups gnomAD compares: Non-Finnish European, 0.00017%; no homozygotes.

Submissions (2):

Labcorp Genetics (formerly Invitae), Labcorp
Classification: Uncertain significance. Last evaluated: 2022-03-18. Review status: criteria provided, single submitter. Criteria: Invitae Variant Classification Sherloc (09022015). Collection method: clinical testing. Allele origin: germline.
Comment: In summary, the available evidence is currently insufficient to determine the role of this variant in disease. Therefore, it has been classified as a Variant of Uncertain Significance. Algorithms developed to predict the effect of missense changes on protein structure and function (SIFT, PolyPhen-2, Align-GVGD) all suggest that this variant is likely to be disruptive. This variant has not been reported in the literature in individuals affected with TBX20-related conditions. This variant is not present in population databases (gnomAD no frequency). This sequence change replaces histidine, which is basic and polar, with arginine, which is basic and polar, at codon 225 of the TBX20 protein (p.His225Arg).

Ambry Genetics
Classification: Uncertain significance for Cardiovascular phenotype. Last evaluated: 2021-12-03. Review status: criteria provided, single submitter. Criteria: Ambry Variant Classification Scheme 2023. Collection method: clinical testing. Allele origin: germline.
Comment: The p.H225R variant (also known as c.674A>G), located in coding exon 5 of the TBX20 gene, results from an A to G substitution at nucleotide position 674. The histidine at codon 225 is replaced by arginine, an amino acid with highly similar properties. This amino acid position is conserved. In addition, this alteration is predicted to be deleterious by in silico analysis. Since supporting evidence is limited at this time, the clinical significance of this alteration remains unclear.

NM_001077653.2(TBX20):c.674A>G (p.His225Arg)

Gene: TBX20 (T-box transcription factor 20; minus strand). Cytogenetic location: 7p14.2.
Variant type: single nucleotide variant.
Coding change: c.674A>G on transcript NM_001077653.2 (MANE Select); coding-DNA position 674, A replaced by G.
Protein change: p.His225Arg; replaces histidine 225 with arginine.
Molecular consequence: missense variant.
Genome position (GRCh38, 1-based): chr7:35,241,018, T>C on the plus strand (A>G on the coding strand, the complement: TBX20 is on the minus strand). VCF-style: chr7-35241018-T-C. GRCh37 (hg19) VCF-style: chr7-35280630-T-C.
Other names: c.674A>G, p.His225Arg (NM_001166220.1); short protein forms H225R.
Identifiers: ClinVar variation 1755219 (VCV001755219.7), dbSNP rs2546993251, ClinGen allele CA367264196.
Genomic context (GRCh38, chr7:35,241,018, plus strand): 5'-TTGAGCAATGAGGCTGTGTGGTCTTTCTTCTTAATGATGTGCACCCTTGGCTGGTACTTA[T>C]GCATTGAGTTCAAAATTATCTACAACAAAAAGATGGGAAGTACTGAATTTTACATACTTA-3'
Protein context (NP_001071121.1, residues 215-235): QHGHIILNSM[His225Arg]KYQPRVHIIK